The following is an entry in ClinVar:

NM_000562.3(C8A):c.465G>T (p.Gly155=)

Gene: C8A (complement C8 alpha chain; plus strand). Cytogenetic location: 1p32.2.
Variant type: single nucleotide variant.
Coding change: c.465G>T on transcript NM_000562.3 (MANE Select); coding-DNA position 465, G replaced by T.
Protein change: p.Gly155=; no amino-acid change (glycine 155 retained).
Molecular consequence: synonymous variant.
Genome position (GRCh38, 1-based): chr1:56,881,445, G>T. VCF-style: chr1-56881445-G-T. GRCh37 (hg19) VCF-style: chr1-57347118-G-T.
Identifiers: ClinVar variation 1940493 (VCV001940493.4), dbSNP rs369725525, ClinGen allele CA22864759.

ClinVar aggregate classification (germline): Uncertain significance (1 of 4 stars; one submission).

Allele frequency attached by ClinVar (database versions not stated): gnomAD exomes 0.00002; gnomAD 0.00005; TOPMed 0.00006; ESP Exome Variant Server 0.00015.
gnomAD v4.1: 33 of 1,613,536 alleles (0.002%); highest among the groups gnomAD compares: East Asian, 0.031%; no homozygotes.

Submission:

Labcorp Genetics (formerly Invitae), Labcorp
Classification: Uncertain significance. Last evaluated: 2024-08-14. Review status: criteria provided, single submitter. Criteria: Invitae Variant Classification Sherloc (09022015). Collection method: clinical testing. Allele origin: germline.
Comment: This sequence change affects codon 155 of the C8A mRNA. It is a 'silent' change, meaning that it does not change the encoded amino acid sequence of the C8A protein. It affects a nucleotide within the consensus splice site. This variant is present in population databases (rs369725525, gnomAD 0.01%). This variant has not been reported in the literature in individuals affected with C8A-related conditions. ClinVar contains an entry for this variant (Variation ID: 1940493). Algorithms developed to predict the effect of sequence changes on RNA splicing suggest that this variant may disrupt the consensus splice site. In summary, the available evidence is currently insufficient to determine the role of this variant in disease. Therefore, it has been classified as a Variant of Uncertain Significance.